The following is an entry in ClinVar:

NM_003722.5(TP63):c.1002C>A (p.Val334=)

Gene: TP63 (tumor protein p63; plus strand). Cytogenetic location: 3q28.
Variant type: single nucleotide variant.
Coding change: c.1002C>A on transcript NM_003722.5 (MANE Select); coding-DNA position 1002, C replaced by A.
Protein change: p.Val334=; no amino-acid change (valine 334 retained).
Molecular consequence: synonymous variant.
Genome position (GRCh38, 1-based): chr3:189,868,589, C>A. VCF-style: chr3-189868589-C-A. GRCh37 (hg19) VCF-style: chr3-189586378-C-A.
Other names: c.1002C>A (NM_003722.4); c.1002C>A, p.Val334= (NM_001114978.2, NM_001114979.2, NM_001329144.2 and 1 more transcripts); c.720C>A, p.Val240= (NM_001114980.2, NM_001114981.2, NM_001114982.2 and 2 more transcripts); c.465C>A, p.Val155= (NM_001329146.2, NM_001329150.2); c.996C>A, p.Val332= (NM_001329964.2).
Identifiers: ClinVar variation 2891732 (VCV002891732.4), dbSNP rs766080130, ClinGen allele CA2752325.

ClinVar aggregate classification (germline): Likely benign. Review status: criteria provided, single submitter (1 of 4 stars). 2 submissions from 2 submitters: Likely benign (1). 1 of the submissions does not count toward it. Last evaluated 2023-07-26.

Conditions:
TP63-Related Spectrum Disorders.
TP63-related disorder. Also called: TP63-related condition; TP63-Related Disorders. Identifiers: MedGen CN380159.

Allele frequency attached by ClinVar (database versions not stated): gnomAD exomes 0.00001; ExAC 0.00003.
gnomAD v4.1: 19 of 1,614,030 alleles (0.0012%); highest among the groups gnomAD compares: South Asian, 0.02%; no homozygotes.

Submissions (2):

Labcorp Genetics (formerly Invitae), Labcorp
Classification: Likely benign. Last evaluated: 2023-07-26. Review status: criteria provided, single submitter. Criteria: Invitae Variant Classification Sherloc (09022015). Collection method: clinical testing. Allele origin: germline.

PreventionGenetics, part of Exact Sciences
Classification: Likely benign for TP63-related condition. Last evaluated: 2020-11-19. Review status: no assertion criteria provided. Collection method: clinical testing. Allele origin: germline. Not counted in ClinVar's aggregate classification.
Comment: This variant is classified as likely benign based on ACMG/AMP sequence variant interpretation guidelines (Richards et al. 2015 PMID: 25741868, with internal and published modifications).